The following is an entry in ClinVar:

ClinVar aggregate classification (germline): Pathogenic/Likely pathogenic. Review status: criteria provided, multiple submitters, no conflicts (2 of 4 stars). 5 submissions from 5 submitters: Pathogenic (2); Likely pathogenic (3). Last evaluated 2025-03-26.

Conditions:
LIAS-related disorders.
Lipoic acid synthetase deficiency. Also called: HYPERGLYCINEMIA, LACTIC ACIDOSIS, AND SEIZURES. Identifiers: Orphanet 401859, MedGen C3280887, MONDO:0013762, OMIM 614462.

Allele frequency attached by ClinVar (database versions not stated): gnomAD 0.00001; gnomAD exomes 0.00001; TOPMed 0.00001; ExAC 0.00002.
gnomAD v4.1: 18 of 1,591,116 alleles (0.0011%); highest among the groups gnomAD compares: South Asian, 0.0046%; no homozygotes.

Submissions (5):

First Genomix Gene Laboratory, Genetic Diagnostics Department
Classification: Pathogenic for Lipoic acid synthetase deficiency. Last evaluated: 2025-03-26. Review status: criteria provided, single submitter. Criteria: ACMG Guidelines, 2015. Collection method: clinical testing. Allele origin: germline. Inheritance: Autosomal recessive inheritance. Affected: no. Observed: 1 variant allele.

Blueprint Genetics
Classification: Likely pathogenic for LIAS-related disorders. Last evaluated: 2024-05-29. Review status: criteria provided, single submitter. Criteria: ACMG Guidelines, 2015. Collection method: clinical testing. Allele origin: germline. Affected: yes. Observed: 5 variant alleles.

GeneDx
Classification: Likely pathogenic. Last evaluated: 2023-12-13. Review status: criteria provided, single submitter. Criteria: GeneDx Variant Classification Process June 2021. Collection method: clinical testing. Allele origin: germline. Affected: yes.
Comment: Nonsense variant predicted to result in protein truncation or nonsense mediated decay in a gene for which loss of function is a known mechanism of disease; Not observed at significant frequency in large population cohorts (gnomAD); Has not been previously published as pathogenic or benign to our knowledge; This variant is associated with the following publications: (PMID: 24334290, 27923773)

Labcorp Genetics (formerly Invitae), Labcorp
Classification: Pathogenic for Lipoic acid synthetase deficiency. Last evaluated: 2023-01-26. Review status: criteria provided, single submitter. Criteria: Invitae Variant Classification Sherloc (09022015). Collection method: clinical testing. Allele origin: germline.
Comment: This variant is present in population databases (rs764858363, gnomAD 0.01%). This sequence change creates a premature translational stop signal (p.Lys34*) in the LIAS gene. It is expected to result in an absent or disrupted protein product. Loss-of-function variants in LIAS are known to be pathogenic (PMID: 24334290, 27923773). This variant has not been reported in the literature in individuals affected with LIAS-related conditions. ClinVar contains an entry for this variant (Variation ID: 1076367). For these reasons, this variant has been classified as Pathogenic.

Women's Health and Genetics/Laboratory Corporation of America, LabCorp
Classification: Likely pathogenic for Lipoic acid synthetase deficiency. Last evaluated: 2022-04-06. Review status: criteria provided, single submitter. Criteria: LabCorp Variant Classification Summary - May 2015. Collection method: clinical testing. Allele origin: germline.
Comment: Variant summary: LIAS c.100A>T (p.Lys34X) results in a premature termination codon, predicted to cause a truncation of the encoded protein or absence of the protein due to nonsense mediated decay, which are commonly known mechanisms for disease. The variant allele was found at a frequency of 1.3e-05 in 237144 control (gnomAD) To our knowledge, no occurrence of c.100A>T in individuals affected with Pyruvate Dehydrogenase Lipoic Acid Synthetase Deficiency and no experimental evidence demonstrating its impact on protein function have been reported. One clinical diagnostic laboratory has submitted clinical-significance assessments for this variant to ClinVar after 2014 without evidence for independent evaluation and classified the variant as pathogenic. Based on the evidence outlined above, the variant was classified as likely pathogenic.

Literature cited by the submitters: PubMed 24334290 (cited by Labcorp Genetics (formerly Invitae), Labcorp); PubMed 27923773 (cited by Labcorp Genetics (formerly Invitae), Labcorp).

NM_006859.4(LIAS):c.100A>T (p.Lys34Ter)

Gene: LIAS (lipoic acid synthetase; plus strand). Cytogenetic location: 4p14.
Variant type: single nucleotide variant.
Coding change: c.100A>T on transcript NM_006859.4 (MANE Select); coding-DNA position 100, A replaced by T.
Protein change: p.Lys34Ter; replaces lysine 34 with a stop codon.
Molecular consequence: nonsense.
Genome position (GRCh38, 1-based): chr4:39,460,844, A>T. VCF-style: chr4-39460844-A-T. GRCh37 (hg19) VCF-style: chr4-39462464-A-T.
Other names: c.100A>T, p.Lys34Ter (NM_001278590.2, NM_001278591.2, NM_001278592.2 and 2 more transcripts); c.100A>T (NM_006859.2); short protein forms K34*.
Identifiers: ClinVar variation 1076367 (VCV001076367.10), dbSNP rs764858363, ClinGen allele CA2894580.